The following is an entry in ClinVar:

ClinVar aggregate classification (germline): Uncertain significance. Review status: criteria provided, multiple submitters, no conflicts (2 of 4 stars). 2 submissions from 2 submitters: Uncertain significance (2). Last evaluated 2026-01-26.

Allele frequency attached by ClinVar (database versions not stated): ExAC 0.00001; gnomAD 0.00001; gnomAD exomes 0.00001; TOPMed 0.00001.

Submissions (2):

Labcorp Genetics (formerly Invitae), Labcorp
Classification: Uncertain significance. Last evaluated: 2026-01-26. Review status: criteria provided, single submitter. Criteria: Invitae Variant Classification Sherloc (09022015). Collection method: clinical testing. Allele origin: germline.
Comment: This sequence change replaces isoleucine, which is neutral and non-polar, with phenylalanine, which is neutral and non-polar, at codon 120 of the SNRNP200 protein (p.Ile120Phe). This variant is present in population databases (rs746843190, gnomAD 0.0009%). This variant has not been reported in the literature in individuals affected with SNRNP200-related conditions. ClinVar contains an entry for this variant (Variation ID: 3014558). Invitae Evidence Modeling of protein sequence and biophysical properties (such as structural, functional, and spatial information, amino acid conservation, physicochemical variation, residue mobility, and thermodynamic stability) has been performed for this missense variant. However, the output from this modeling did not meet the statistical confidence thresholds required to predict the impact of this variant on SNRNP200 protein function. In summary, the available evidence is currently insufficient to determine the role of this variant in disease. Therefore, it has been classified as a Variant of Uncertain Significance.

Blueprint Genetics
Classification: Uncertain significance. Last evaluated: 2021-07-12. Review status: criteria provided, single submitter. Criteria: ACMG Guidelines, 2015. Collection method: clinical testing. Allele origin: germline.

NM_014014.5(SNRNP200):c.358A>T (p.Ile120Phe)

Gene: SNRNP200 (small nuclear ribonucleoprotein U5 subunit 200; minus strand). Cytogenetic location: 2q11.2.
Variant type: single nucleotide variant.
Coding change: c.358A>T on transcript NM_014014.5 (MANE Select); coding-DNA position 358, A replaced by T.
Protein change: p.Ile120Phe; replaces isoleucine 120 with phenylalanine.
Molecular consequence: missense variant.
Genome position (GRCh38, 1-based): chr2:96,303,182, T>A on the plus strand (A>T on the coding strand, the complement: SNRNP200 is on the minus strand). VCF-style: chr2-96303182-T-A. GRCh37 (hg19) VCF-style: chr2-96968920-T-A.
Other names: short protein forms I120F.
Identifiers: ClinVar variation 3014558 (VCV003014558.4), dbSNP rs746843190, ClinGen allele CA1779207.